The following is an entry in ClinVar:

ClinVar aggregate classification (germline): Uncertain significance (1 of 4 stars; one submission).

Conditions:
Ullrich congenital muscular dystrophy 2 (UCMD2). Identifiers: Orphanet 75840, MedGen C4225314, MONDO:0014654, OMIM 616470.
Bethlem myopathy 2 (BTHLM2). Identifiers: Orphanet 536516, Orphanet 610, MedGen C4225313, MONDO:0034022, OMIM 616471.

Submission:

Labcorp Genetics (formerly Invitae), Labcorp
Classification: Uncertain significance for Bethlem myopathy 2; Ullrich congenital muscular dystrophy 2. Last evaluated: 2025-07-31. Review status: criteria provided, single submitter. Criteria: Invitae Variant Classification Sherloc (09022015). Collection method: clinical testing. Allele origin: germline.
Comment: This sequence change replaces glutamic acid, which is acidic and polar, with lysine, which is basic and polar, at codon 2288 of the COL12A1 protein (p.Glu2288Lys). This variant is not present in population databases (gnomAD no frequency). This variant has not been reported in the literature in individuals affected with COL12A1-related conditions. ClinVar contains an entry for this variant (Variation ID: 1970533). Invitae Evidence Modeling of protein sequence and biophysical properties (such as structural, functional, and spatial information, amino acid conservation, physicochemical variation, residue mobility, and thermodynamic stability) has been performed for this missense variant. However, the output from this modeling did not meet the statistical confidence thresholds required to predict the impact of this variant on COL12A1 protein function. In summary, the available evidence is currently insufficient to determine the role of this variant in disease. Therefore, it has been classified as a Variant of Uncertain Significance.

NM_004370.6(COL12A1):c.6862G>A (p.Glu2288Lys)

Gene: COL12A1 (collagen type XII alpha 1 chain; minus strand). Cytogenetic location: 6q13.
Variant type: single nucleotide variant.
Coding change: c.6862G>A on transcript NM_004370.6 (MANE Select); coding-DNA position 6862, G replaced by A.
Protein change: p.Glu2288Lys; replaces glutamic acid 2288 with lysine.
Molecular consequence: missense variant.
Genome position (GRCh38, 1-based): chr6:75,123,957, C>T on the plus strand (G>A on the coding strand, the complement: COL12A1 is on the minus strand). VCF-style: chr6-75123957-C-T. GRCh37 (hg19) VCF-style: chr6-75833673-C-T.
Other names: c.3370G>A, p.Glu1124Lys (NM_080645.3); short protein forms E1124K, E2288K.
Identifiers: ClinVar variation 1970533 (VCV001970533.5), dbSNP rs2533228448, ClinGen allele CA364728306.